The following is an entry in ClinVar:

NM_006231.4(POLE):c.4038del (p.Arg1346fs)

Gene: POLE (DNA polymerase epsilon, catalytic subunit; minus strand). Cytogenetic location: 12q24.33.
Variant type: Deletion.
Coding change: c.4038del on transcript NM_006231.4 (MANE Select); coding-DNA position 4038, one base deleted (G; older notation c.4038delG).
Protein change: p.Arg1346fs; shifts the reading frame from arginine 1346.
Molecular consequence: frameshift variant.
Genome position (GRCh38, 1-based): chr12:132,649,040, C deleted on the plus strand (G on the coding strand, the reverse complement: POLE is on the minus strand); the first of 2 consecutive C bases (chr12:132,649,040-132,649,041); deleting either gives the same sequence. VCF-style (leftmost placement, unchanged base first): chr12-132649039-GC-G. GRCh37 (hg19) VCF-style: chr12-133225625-GC-G.
Other names: short protein forms R1346fs.
Identifiers: ClinVar variation 2115486 (VCV002115486.4), dbSNP rs2541942149, ClinGen allele CA2580086175.
Genomic context (GRCh38, chr12:132,649,039, plus strand): 5'-AGAACACACGGGGGATGCTCAGCCTGATGCAGTGCAAGTCACTGCCAACGAGCGCCCACA[GC>G]CTGAACAGGCCGGCCTGGCTGGTCTCGCTGATCTGAAAGGCCACACGGACATACAGCACA-3'

ClinVar aggregate classification (germline): Pathogenic (1 of 4 stars; one submission).

Submission:

Labcorp Genetics (formerly Invitae), Labcorp
Classification: Pathogenic. Last evaluated: 2022-06-02. Review status: criteria provided, single submitter. Criteria: Invitae Variant Classification Sherloc (09022015). Collection method: clinical testing. Allele origin: germline.
Comment: This sequence change creates a premature translational stop signal (p.Arg1346Serfs*15) in the POLE gene. It is expected to result in an absent or disrupted protein product. Loss-of-function variants in POLE are known to be pathogenic (PMID: 23230001, 25948378, 30503519). This variant is not present in population databases (gnomAD no frequency). This variant has not been reported in the literature in individuals affected with POLE-related conditions. For these reasons, this variant has been classified as Pathogenic.

Literature cited by the submitters: PubMed 23230001; PubMed 25948378; PubMed 30503519.